The following is an entry in ClinVar:

ClinVar aggregate classification (germline): Uncertain significance. Review status: criteria provided, multiple submitters, no conflicts (2 of 4 stars). 3 submissions from 3 submitters: Uncertain significance (3). Last evaluated 2026-02-12.

Conditions:
Familial thoracic aortic aneurysm and aortic dissection (TAAD). Also called: Thoracic aortic aneurysms and dissections. Identifiers: Orphanet 91387, MedGen C4707243, MONDO:0019625.

Submissions (3):

GeneDx
Classification: Uncertain significance. Last evaluated: 2026-02-12. Review status: criteria provided, single submitter. Criteria: GeneDx Variant Classification Process June 2021. Collection method: clinical testing. Allele origin: germline.
Comment: Not observed at significant frequency in large population cohorts (gnomAD); In silico analysis supports that this missense variant has a deleterious effect on protein structure/function; Has not been previously published as pathogenic or benign to our knowledge

AiLife Diagnostics
Classification: Uncertain significance. Last evaluated: 2021-12-03. Review status: criteria provided, single submitter. Criteria: ACMG Guidelines, 2015. Collection method: clinical testing. Allele origin: germline. Affected: yes. Observed: 2 variant alleles.

Labcorp Genetics (formerly Invitae), Labcorp
Classification: Uncertain significance for Familial thoracic aortic aneurysm and aortic dissection. Last evaluated: 2019-12-17. Review status: criteria provided, single submitter. Criteria: Invitae Variant Classification Sherloc (09022015). Collection method: clinical testing. Allele origin: germline.
Comment: In summary, the available evidence is currently insufficient to determine the role of this variant in disease. Therefore, it has been classified as a Variant of Uncertain Significance. Algorithms developed to predict the effect of missense changes on protein structure and function (SIFT, PolyPhen-2, Align-GVGD) all suggest that this variant is likely to be disruptive, but these predictions have not been confirmed by published functional studies and their clinical significance is uncertain. This variant has not been reported in the literature in individuals with TGFBR1-related conditions. This variant is not present in population databases (ExAC no frequency). This sequence change replaces proline with arginine at codon 452 of the TGFBR1 protein (p.Pro452Arg). The proline residue is highly conserved and there is a moderate physicochemical difference between proline and arginine.

NM_004612.4(TGFBR1):c.1355C>G (p.Pro452Arg)

Gene: TGFBR1 (transforming growth factor beta receptor 1; plus strand). Cytogenetic location: 9q22.33.
Variant type: single nucleotide variant.
Coding change: c.1355C>G on transcript NM_004612.4 (MANE Select); coding-DNA position 1355, C replaced by G.
Protein change: p.Pro452Arg; replaces proline 452 with arginine.
Molecular consequence: missense variant.
Genome position (GRCh38, 1-based): chr9:99,147,753, C>G. VCF-style: chr9-99147753-C-G. GRCh37 (hg19) VCF-style: chr9-101910035-C-G.
Other names: c.1124C>G, p.Pro375Arg (NM_001130916.3); c.1367C>G, p.Pro456Arg (NM_001306210.2); short protein forms P375R, P456R, P452R.
Identifiers: ClinVar variation 857267 (VCV000857267.12), dbSNP rs1827844675, ClinGen allele CA374233458.